The following is an entry in ClinVar:

ClinVar aggregate classification (germline): Uncertain significance (1 of 4 stars; one submission).

Conditions:
Long QT syndrome (LQTS). Identifiers: MedGen C0023976, MeSH D008133, MONDO:0002442. Disease mechanism: loss of function. Inheritance: Various modes of inheritance.

Allele frequency attached by ClinVar (database versions not stated): gnomAD exomes below 0.00001.
gnomAD v4.1: 1 of 1,613,690 alleles (0.000062%); highest among the groups gnomAD compares: East Asian, 0.0022%; no homozygotes.

Submission:

Labcorp Genetics (formerly Invitae), Labcorp
Classification: Uncertain significance for Long QT syndrome. Last evaluated: 2017-08-03. Review status: criteria provided, single submitter. Criteria: Invitae Variant Classification Sherloc (09022015). Collection method: clinical testing. Allele origin: germline.
Comment: This variant is not present in population databases (ExAC no frequency). This sequence change falls in intron 44 of the ANK2 gene. It does not directly change the encoded amino acid sequence of the ANK2 protein, but it affects a nucleotide within the consensus splice site of the intron. In summary, the available evidence is currently insufficient to determine the role of this variant in disease. Therefore, it has been classified as a Variant of Uncertain Significance. Nucleotide substitutions within the consensus splice site are a relatively common cause of aberrant splicing (PMID: 17576681, 9536098). Algorithms developed to predict the effect of sequence changes on RNA splicing suggest that this variant may disrupt the consensus splice site, but this prediction has not been confirmed by published transcriptional studies. This variant has not been reported in the literature in individuals with ANK2-related disease.

Literature cited by the submitters: PubMed 17576681; PubMed 9536098.

NM_001148.6(ANK2):c.11694+3A>G

Gene: ANK2 (ankyrin 2; plus strand). Cytogenetic location: 4q26.
Variant type: single nucleotide variant.
Coding change: c.11694+3A>G on transcript NM_001148.6 (MANE Select); 3 bases into the intron after coding-DNA position 11694, A replaced by G.
Molecular consequence: intron variant.
Genome position (GRCh38, 1-based): chr4:113,373,176, A>G. VCF-style: chr4-113373176-A-G. GRCh37 (hg19) VCF-style: chr4-114294332-A-G.
Other names: c.5424+3A>G (NM_001386186.2, NM_001386148.2); c.5226+3A>G (NM_001354269.3); c.5304+3A>G (NM_001386187.2); c.5265+3A>G (NM_001386147.1); c.5283+3A>G (NM_001386160.1); c.5388+3A>G (NM_001354254.2); c.5502+3A>G (NM_001354239.2); c.5409+3A>G (NM_001354252.2); and 44 more.
Identifiers: ClinVar variation 526988 (VCV000526988.5), dbSNP rs1554597170, ClinGen allele CA658796454.
Genomic context (GRCh38, chr4:113,373,176, plus strand): 5'-AGAAACAGTCACAGAAGAAGAATACATTGATGAGCATGGACACACCGTGGTAAAGAAGGT[A>G]TTGTCTAGTATATCCTAACAGGGTTGATTACAAACTTCCTGTTTAAAATTTATCAATTCC-3'